The following is an entry in ClinVar:

ClinVar aggregate classification (germline): Pathogenic (1 of 4 stars; one submission).

Conditions:
Hydrocephalus, nonsyndromic, autosomal recessive 1 (HYC1). Also called: Hydrocephalus, nonsyndromic, autosomal recessive; Congenital hydrocephalus 1. Identifiers: Orphanet 2185, MedGen C3887608, MONDO:0009360, OMIM 236600.

Submission:

Foundation for Research in Genetics and Endocrinology, FRIGE's Institute of Human Genetics
Classification: Pathogenic for Hydrocephalus, nonsyndromic, autosomal recessive 1. Last evaluated: 2020-03-24. Review status: criteria provided, single submitter. Criteria: ACMG Guidelines, 2015. Collection method: clinical testing. Allele origin: germline. Inheritance: Autosomal recessive inheritance. Affected: yes. Observed: 1 compound heterozygote.
Comment: A heterozygous single base pair duplication in exon 3 of the CCDC88C gene that results in a premature truncation of the protein at codon 86 was detected. The observed variant c.255dupT (p.Lys86Ter) has not been reported in the 1000 genomes and ExAC databases. The in silico prediction of the variant is damaging by MutationTaster2. The reference codon is conserved across mammals. In summary, the variant meets our criteria to be classified as pathogenic.

NM_001080414.4(CCDC88C):c.255dup (p.Lys86Ter)

Gene: CCDC88C (coiled-coil and HOOK domain protein 88C; minus strand). Cytogenetic location: 14q32.12.
Variant type: Duplication.
Coding change: c.255dup on transcript NM_001080414.4 (MANE Select); coding-DNA position 255, one base duplicated (T; older notation c.255dupT).
Protein change: p.Lys86Ter; replaces lysine 86 with a stop codon.
Molecular consequence: nonsense.
Genome position (GRCh38, 1-based): chr14:91,408,674, A duplicated on the plus strand (T on the coding strand, the reverse complement: CCDC88C is on the minus strand); the first of 2 consecutive A bases (chr14:91,408,674-91,408,675); duplicating either gives the same sequence. VCF-style (leftmost placement, unchanged base first): chr14-91408673-T-TA. GRCh37 (hg19) VCF-style: chr14-91875017-T-TA.
Other names: c.255dupT (NM_001080414.4); short protein forms K86*.
Identifiers: ClinVar variation 918058 (VCV000918058.2), dbSNP rs1886637325, ClinGen allele CA1139663625.